The following is an entry in ClinVar:

ClinVar aggregate classification (germline): Likely pathogenic (1 of 4 stars; one submission).

Submission:

Labcorp Genetics (formerly Invitae), Labcorp
Classification: Likely pathogenic. Last evaluated: 2023-05-06. Review status: criteria provided, single submitter. Criteria: Invitae Variant Classification Sherloc (09022015). Collection method: clinical testing. Allele origin: germline.
Comment: In summary, the currently available evidence indicates that the variant is pathogenic, but additional data are needed to prove that conclusively. Therefore, this variant has been classified as Likely Pathogenic. Algorithms developed to predict the effect of sequence changes on RNA splicing suggest that this variant may disrupt the consensus splice site. This variant has not been reported in the literature in individuals affected with SORL1-related conditions. This variant is not present in population databases (gnomAD no frequency). This sequence change affects a donor splice site in intron 14 of the SORL1 gene. It is expected to disrupt RNA splicing. Variants that disrupt the donor or acceptor splice site typically lead to a loss of protein function (PMID: 16199547), and loss-of-function variants in SORL1 are known to be pathogenic (PMID: 26303663, 27026413).

Literature cited by the submitters: PubMed 16199547; PubMed 26303663; PubMed 27026413.

NM_003105.6(SORL1):c.2051+1G>A

Gene: SORL1 (sortilin related receptor 1; plus strand). Cytogenetic location: 11q24.1.
Variant type: single nucleotide variant.
Coding change: c.2051+1G>A on transcript NM_003105.6 (MANE Select); the canonical splice donor site of the intron after coding-DNA position 2051, G replaced by A.
Molecular consequence: splice donor variant.
Genome position (GRCh38, 1-based): chr11:121,545,430, G>A. VCF-style: chr11-121545430-G-A. GRCh37 (hg19) VCF-style: chr11-121416139-G-A.
Identifiers: ClinVar variation 2775834 (VCV002775834.3), dbSNP rs2496871652, ClinGen allele CA383030807.